The following is an entry in ClinVar:

ClinVar aggregate classification (germline): Uncertain significance. Review status: criteria provided, multiple submitters, no conflicts (2 of 4 stars). 2 submissions from 2 submitters: Uncertain significance (2). Last evaluated 2022-08-23.

Conditions:
Inborn genetic diseases. Identifiers: MedGen C0950123, MeSH D030342.

Allele frequency attached by ClinVar (database versions not stated): gnomAD exomes 0.00001; TOPMed 0.00003; gnomAD 0.00006; 1000 Genomes Project 0.00020; 1000 Genomes Project 30x 0.00031.
gnomAD v4.1: 35 of 1,540,896 alleles (0.0023%); highest among the groups gnomAD compares: African/African-American, 0.0027%; no homozygotes.

Submissions (2):

Labcorp Genetics (formerly Invitae), Labcorp
Classification: Uncertain significance. Last evaluated: 2022-08-23. Review status: criteria provided, single submitter. Criteria: Invitae Variant Classification Sherloc (09022015). Collection method: clinical testing. Allele origin: germline.
Comment: In summary, the available evidence is currently insufficient to determine the role of this variant in disease. Therefore, it has been classified as a Variant of Uncertain Significance. Algorithms developed to predict the effect of sequence changes on RNA splicing suggest that this variant may create or strengthen a splice site. Algorithms developed to predict the effect of missense changes on protein structure and function output the following: SIFT: "Tolerated"; PolyPhen-2: "Possibly Damaging"; Align-GVGD: "Class C0". The glutamine amino acid residue is found in multiple mammalian species, which suggests that this missense change does not adversely affect protein function. ClinVar contains an entry for this variant (Variation ID: 1438836). This variant has not been reported in the literature in individuals affected with OBSL1-related conditions. The frequency data for this variant in the population databases is considered unreliable, as metrics indicate poor data quality at this position in the gnomAD database. This sequence change replaces arginine, which is basic and polar, with glutamine, which is neutral and polar, at codon 1268 of the OBSL1 protein (p.Arg1268Gln).

Ambry Genetics
Classification: Uncertain significance for Inborn genetic diseases. Last evaluated: 2022-08-03. Review status: criteria provided, single submitter. Criteria: Ambry Variant Classification Scheme 2023. Collection method: clinical testing. Allele origin: germline.

NM_015311.3(OBSL1):c.3803G>A (p.Arg1268Gln)

Gene: OBSL1 (obscurin like cytoskeletal adaptor 1; minus strand). Cytogenetic location: 2q35.
Variant type: single nucleotide variant.
Coding change: c.3803G>A on transcript NM_015311.3 (MANE Select); coding-DNA position 3803, G replaced by A.
Protein change: p.Arg1268Gln; replaces arginine 1268 with glutamine.
Molecular consequence: missense variant.
Genome position (GRCh38, 1-based): chr2:219,557,606, C>T on the plus strand (G>A on the coding strand, the complement: OBSL1 is on the minus strand). VCF-style: chr2-219557606-C-T. GRCh37 (hg19) VCF-style: chr2-220422328-C-T.
Other names: c.3803G>A, p.Arg1268Gln (NM_001173431.2); c.3803G>A (NM_015311.2); short protein forms R1268Q.
Identifiers: ClinVar variation 1438836 (VCV001438836.7), dbSNP rs150155792, ClinGen allele CA2130739.